The following is an entry in ClinVar:

ClinVar aggregate classification (germline): Likely benign. Review status: criteria provided, multiple submitters, no conflicts (2 of 4 stars). 7 submissions from 7 submitters: Likely benign (7). Last evaluated 2026-05-01.

Conditions:
Polymicrogyria with or without vascular-type Ehlers-Danlos syndrome. Identifiers: Orphanet 636941, MedGen C5193040, MONDO:0032688, OMIM 618343.
Ehlers-Danlos syndrome, type 4 (EDSVASC). Also called: Ehlers-Danlos syndrome vascular type; Ehlers Danlos syndrome, ecchymotic type; Ehlers Danlos syndrome, arterial type; Ehlers Danlos syndrome, Sack-Barabas type; Ehlers-Danlos Syndrome Type IV. Identifiers: Orphanet 286, MedGen C0268338, MONDO:0017314, OMIM 130050.
Familial thoracic aortic aneurysm and aortic dissection (TAAD). Also called: Thoracic aortic aneurysms and dissections. Identifiers: Orphanet 91387, MedGen C4707243, MONDO:0019625.

Allele frequency attached by ClinVar (database versions not stated): ExAC 0.00002; gnomAD 0.00003 and 0.00004; gnomAD exomes 0.00003 and 0.00004; TOPMed 0.00003.

Submissions (7):

Women's Health and Genetics/Laboratory Corporation of America, LabCorp
Classification: Likely benign. Last evaluated: 2026-05-01. Review status: criteria provided, single submitter. Criteria: LabCorp Variant Classification Summary - May 2015. Collection method: clinical testing. Allele origin: germline.

Labcorp Genetics (formerly Invitae), Labcorp
Classification: Likely benign for Ehlers-Danlos syndrome, type 4. Last evaluated: 2025-12-08. Review status: criteria provided, single submitter. Criteria: Invitae Variant Classification Sherloc (09022015). Collection method: clinical testing. Allele origin: germline.

CeGaT Center for Human Genetics Tuebingen
Classification: Likely benign. Last evaluated: 2025-06-01. Review status: criteria provided, single submitter. Criteria: CeGaT Center For Human Genetics Tuebingen Variant Classification Criteria Version 2. Collection method: clinical testing. Allele origin: germline. Affected: yes. Observed: 1 variant allele.
Comment: COL3A1: BP4, BP7

All of Us Research Program, National Institutes of Health
Classification: Likely benign for Ehlers-Danlos syndrome, type 4. Last evaluated: 2024-02-05. Review status: criteria provided, single submitter. Criteria: ACMG Guidelines, 2015. Collection method: clinical testing. Allele origin: germline. Inheritance: Autosomal dominant inheritance. Observed: 1 variant allele, 1 heterozygote.
Comment: This study involves interpretation of variants in research participants for the purpose of population health screening. Participant phenotype was not available at the time of variant classification. Additional details can be found in publication PMID: 35346344, PMCID: PMC8962531

Ambry Genetics
Classification: Likely benign for Familial thoracic aortic aneurysm and aortic dissection. Last evaluated: 2022-11-02. Review status: criteria provided, single submitter. Criteria: Ambry Variant Classification Scheme 2023. Collection method: clinical testing. Allele origin: germline.

Color Diagnostics, LLC DBA Color Health
Classification: Likely benign for Familial thoracic aortic aneurysm and aortic dissection. Last evaluated: 2018-11-25. Review status: criteria provided, single submitter. Criteria: ACMG Guidelines, 2015. Collection method: clinical testing. Allele origin: germline.

Center for Genomics, Ann and Robert H. Lurie Children's Hospital of Chicago
Classification: Likely benign for Ehlers-Danlos syndrome, type 4; Polymicrogyria with or without vascular-type Ehlers-Danlos syndrome. Review status: criteria provided, single submitter. Criteria: ACMG Guidelines, 2015. Collection method: clinical testing. Allele origin: germline.
Comment: This variant has not been reported in the literature but is present in the Genome Aggregation Database (Highest reported MAF: 0.006% [4/68042]), and in ClinVar, with multiple laboratories classifying it as likely benign (Variation ID: 459782). Of note, this is a silent variant and thus does not change the amino acid, it occurs at a nucleotide position that is poorly conserved evolutionarily, and it is not predicted to impact splicing; this reduces the probability that this variant is disease-causing. In summary, data on this variant suggests that this variant does not cause disease but requires further evidence. Therefore, this variant is classified as likely benign.

NM_000090.4(COL3A1):c.3066A>G (p.Pro1022=)

Gene: COL3A1 (collagen type III alpha 1 chain; plus strand). Cytogenetic location: 2q32.2.
Variant type: single nucleotide variant.
Coding change: c.3066A>G on transcript NM_000090.4 (MANE Select); coding-DNA position 3066, A replaced by G.
Protein change: p.Pro1022=; no amino-acid change (proline 1022 retained).
Molecular consequence: synonymous variant.
Genome position (GRCh38, 1-based): chr2:189,006,232, A>G. VCF-style: chr2-189006232-A-G. GRCh37 (hg19) VCF-style: chr2-189870958-A-G.
Identifiers: ClinVar variation 459782 (VCV000459782.24), dbSNP rs756680770, ClinGen allele CA075837.